The following is an entry in ClinVar:

NM_001015877.2(PHF6):c.578G>A (p.Ser193Asn)

Gene: PHF6 (PHD finger protein 6; plus strand). Cytogenetic location: Xq26.2.
Variant type: single nucleotide variant.
Coding change: c.578G>A on transcript NM_001015877.2 (MANE Select); coding-DNA position 578, G replaced by A.
Protein change: p.Ser193Asn; replaces serine 193 with asparagine.
Molecular consequence: missense variant.
Genome position (GRCh38, 1-based): chrX:134,413,650, G>A. VCF-style: chrX-134413650-G-A. GRCh37 (hg19) VCF-style: chrX-133547680-G-A.
Other names: c.581G>A, p.Ser194Asn (NM_032335.3); c.578G>A, p.Ser193Asn (NM_032458.3); short protein forms S194N, S193N.
Identifiers: ClinVar variation 4995341 (VCV004995341.1).

ClinVar aggregate classification (germline): Uncertain significance (1 of 4 stars; one submission).

Conditions:
PHF6-related disorder. Also called: PHF6-related condition.

Submission:

PreventionGenetics, part of Exact Sciences
Classification: Uncertain significance for PHF6-related condition. Last evaluated: 2026-09-15. Review status: criteria provided, single submitter. Criteria: ACMG Guidelines, 2015. Collection method: clinical testing. Allele origin: germline.
Comment: The PHF6 c.578G>A variant is predicted to result in the amino acid substitution p.Ser193Asn. To our knowledge, this variant has not been reported in the literature or in a large population database (gnomAD), indicating this variant is rare. At this time, the clinical significance of this variant is uncertain due to the absence of conclusive functional and genetic evidence.